The following is an entry in ClinVar:

NM_021615.5(CHST6):c.611C>A (p.Pro204Gln)

Gene: CHST6 (carbohydrate sulfotransferase 6; minus strand). Cytogenetic location: 16q23.1.
Variant type: single nucleotide variant.
Coding change: c.611C>A on transcript NM_021615.5 (MANE Select); coding-DNA position 611, C replaced by A.
Protein change: p.Pro204Gln; replaces proline 204 with glutamine.
Molecular consequence: missense variant.
Genome position (GRCh38, 1-based): chr16:75,479,218, G>T on the plus strand (C>A on the coding strand, the complement: CHST6 is on the minus strand). VCF-style: chr16-75479218-G-T. GRCh37 (hg19) VCF-style: chr16-75513116-G-T.
Other names: short protein forms P204Q.
Identifiers: ClinVar variation 3366790 (VCV003366790.1).

ClinVar aggregate classification (germline): Likely pathogenic (1 of 4 stars; one submission).

Conditions:
Macular corneal dystrophy (MCD). Also called: GROENOUW TYPE II CORNEAL DYSTROPHY; Macular corneal dystrophy Type I. Identifiers: Orphanet 98969, MedGen C1636149, MONDO:0009020, OMIM 217800.

Submission:

Women's Health and Genetics/Laboratory Corporation of America, LabCorp
Classification: Likely pathogenic for Macular corneal dystrophy. Last evaluated: 2024-08-14. Review status: criteria provided, single submitter. Criteria: LabCorp Variant Classification Summary - May 2015. Collection method: clinical testing. Allele origin: germline.
Comment: Variant summary: CHST6 c.611C>A (p.Pro204Gln) results in a non-conservative amino acid change located in the Sulfotransferase domain (IPR000863) of the encoded protein sequence. Five of five in-silico tools predict a damaging effect of the variant on protein function. The variant allele was found at a frequency of 8.3e-06 in 242182 control chromosomes. c.611C>A has been reported in the literature in two homozygous individuals affected with Macular Corneal Dystrophy (Iida-Hasegawa_2003, Sultana_2003). These data indicate that the variant is likely to be associated with disease. To our knowledge, no experimental evidence demonstrating an impact on protein function has been reported. The following publications have been ascertained in the context of this evaluation (PMID: 12882769, 14735064, 19337156). No submitters have cited clinical-significance assessments for this variant to ClinVar. Based on the evidence outlined above, the variant was classified as likely pathogenic.

Literature cited by the submitters: PubMed 19337156; PubMed 12882769; PubMed 14735064.